The following is an entry in ClinVar:

ClinVar aggregate classification (germline): Uncertain significance (1 of 4 stars; one submission).

gnomAD v4.1: 6 of 1,613,822 alleles (0.00037%); highest among the groups gnomAD compares: Non-Finnish European, 0.00051%; no homozygotes.

Submission:

Labcorp Genetics (formerly Invitae), Labcorp
Classification: Uncertain significance. Last evaluated: 2022-01-11. Review status: criteria provided, single submitter. Criteria: Invitae Variant Classification Sherloc (09022015). Collection method: clinical testing. Allele origin: germline.
Comment: This sequence change replaces methionine, which is neutral and non-polar, with lysine, which is basic and polar, at codon 584 of the ADAMTSL4 protein (p.Met584Lys). This variant is not present in population databases (gnomAD no frequency). This variant has not been reported in the literature in individuals affected with ADAMTSL4-related conditions. Algorithms developed to predict the effect of missense changes on protein structure and function are either unavailable or do not agree on the potential impact of this missense change (SIFT: "Tolerated"; PolyPhen-2: "Probably Damaging"; Align-GVGD: "Class C0"). Algorithms developed to predict the effect of sequence changes on RNA splicing suggest that this variant may create or strengthen a splice site. In summary, the available evidence is currently insufficient to determine the role of this variant in disease. Therefore, it has been classified as a Variant of Uncertain Significance.

NM_019032.6(ADAMTSL4):c.1751T>A (p.Met584Lys)

Genes: ADAMTSL4 (ADAMTS like 4; plus strand), ADAMTSL4-AS2 (ADAMTSL4 antisense RNA 2; minus strand). Cytogenetic location: 1q21.2.
Variant type: single nucleotide variant.
Coding change: c.1751T>A on transcript NM_019032.6 (MANE Select); coding-DNA position 1751, T replaced by A.
Protein change: p.Met584Lys; replaces methionine 584 with lysine.
Molecular consequence: missense variant.
Genome position (GRCh38, 1-based): chr1:150,556,940, T>A. VCF-style: chr1-150556940-T-A. GRCh37 (hg19) VCF-style: chr1-150529416-T-A.
Other names: c.1820T>A, p.Met607Lys (NM_001288607.2, NM_001288608.2); c.1751T>A, p.Met584Lys (NM_001378596.1, NM_025008.5); short protein forms M607K, M584K.
Identifiers: ClinVar variation 2079070 (VCV002079070.1), dbSNP rs2526716866, ClinGen allele CA342313164.